The following is an entry in ClinVar:

ClinVar aggregate classification (germline): Uncertain significance (1 of 4 stars; one submission).

Submission:

Ambry Genetics
Classification: Uncertain significance. Last evaluated: 2025-12-01. Review status: criteria provided, single submitter. Criteria: Ambry Variant Classification Scheme 2023. Collection method: clinical testing. Allele origin: germline.
Comment: The p.A435S variant (also known as c.1303G>T), located in coding exon 12 of the GEN1 gene, results from a G to T substitution at nucleotide position 1303. The alanine at codon 435 is replaced by serine, an amino acid with similar properties. This amino acid position is conserved. In addition, this alteration is predicted to be tolerated by in silico analysis. Based on the available evidence, the clinical significance of this variant remains unclear.

NM_001130009.3(GEN1):c.1303G>T (p.Ala435Ser)

Gene: GEN1 (GEN1 structure-specific endonuclease; plus strand). Cytogenetic location: 2p24.2.
Variant type: single nucleotide variant.
Coding change: c.1303G>T on transcript NM_001130009.3 (MANE Select); coding-DNA position 1303, G replaced by T.
Protein change: p.Ala435Ser; replaces alanine 435 with serine.
Molecular consequence: missense variant.
Genome position (GRCh38, 1-based): chr2:17,780,016, G>T. VCF-style: chr2-17780016-G-T. GRCh37 (hg19) VCF-style: chr2-17961283-G-T.
Other names: c.1303G>T, p.Ala435Ser (NM_182625.5); short protein forms A435S.
Identifiers: ClinVar variation 4671519 (VCV004671519.1).
Genomic context (GRCh38, chr2:17,780,016, plus strand): 5'-TGCTGTATTTTTAATCTTTTAGAACATTATGCTATGGAAGATAAACAACATGGAGAATTT[G>T]CTTTATTAACAATTGAGGAAGAATCATTGTTTGAAGCAGCATATCCTGAGATCGTTGCTG-3'
Protein context (NP_001123481.3, residues 425-445): AMEDKQHGEF[Ala435Ser]LLTIEEESLF